The following is an entry in ClinVar:

ClinVar aggregate classification (germline): Uncertain significance. Review status: criteria provided, multiple submitters, no conflicts (2 of 4 stars). 3 submissions from 3 submitters: Uncertain significance (3). Last evaluated 2024-08-05.

Conditions:
Hereditary cancer-predisposing syndrome. Also called: Neoplastic Syndromes, Hereditary; Hereditary Cancer Syndrome; Hereditary neoplastic syndrome; Tumor predisposition. Identifiers: Orphanet 140162, MedGen C0027672, MeSH D009386, MONDO:0015356.
Neurofibromatosis, type 2 (SWNV). Also called: BILATERAL ACOUSTIC NEUROFIBROMATOSIS; SCHWANNOMATOSIS, VESTIBULAR; NF2-Related Schwannomatosis. Identifiers: Orphanet 637, MedGen C0027832, MONDO:0007039, OMIM 101000. Disease mechanism: loss of function.

Allele frequency attached by ClinVar (database versions not stated): TOPMed below 0.00001; gnomAD 0.00001.
gnomAD v4.1: 1 of 1,614,054 alleles (0.000062%); highest among the groups gnomAD compares: Non-Finnish European, 0.000085%; no homozygotes.

Submissions (3):

Labcorp Genetics (formerly Invitae), Labcorp
Classification: Uncertain significance for Neurofibromatosis, type 2. Last evaluated: 2024-08-05. Review status: criteria provided, single submitter. Criteria: Invitae Variant Classification Sherloc (09022015). Collection method: clinical testing. Allele origin: germline.
Comment: This sequence change replaces glutamic acid, which is acidic and polar, with lysine, which is basic and polar, at codon 107 of the NF2 protein (p.Glu107Lys). This variant is not present in population databases (gnomAD no frequency). This variant has not been reported in the literature in individuals affected with NF2-related conditions. ClinVar contains an entry for this variant (Variation ID: 1000838). Advanced modeling of protein sequence and biophysical properties (such as structural, functional, and spatial information, amino acid conservation, physicochemical variation, residue mobility, and thermodynamic stability) performed at Invitae indicates that this missense variant is expected to disrupt NF2 protein function with a positive predictive value of 80%. In summary, the available evidence is currently insufficient to determine the role of this variant in disease. Therefore, it has been classified as a Variant of Uncertain Significance.

Ambry Genetics
Classification: Uncertain significance for Hereditary cancer-predisposing syndrome. Last evaluated: 2024-07-08. Review status: criteria provided, single submitter. Criteria: Ambry Variant Classification Scheme 2023. Collection method: clinical testing. Allele origin: germline.
Comment: The p.E107K variant (also known as c.319G>A), located in coding exon 3 of the NF2 gene, results from a G to A substitution at nucleotide position 319. The glutamic acid at codon 107 is replaced by lysine, an amino acid with similar properties. This amino acid position is highly conserved in available vertebrate species. In addition, this alteration is predicted to be deleterious by in silico analysis. Based on the available evidence, the clinical significance of this variant remains unclear.

All of Us Research Program, National Institutes of Health
Classification: Uncertain significance for Neurofibromatosis, type 2. Last evaluated: 2023-12-13. Review status: criteria provided, single submitter. Criteria: ACMG Guidelines, 2015. Collection method: clinical testing. Allele origin: germline. Inheritance: Autosomal dominant inheritance. Observed: 1 variant allele, 1 heterozygote.
Comment: This missense variant replaces glutamic acid with lysine at codon 107 of the NF2 protein. Computational prediction is inconclusive regarding the impact of this variant on protein structure and function (internally defined REVEL score threshold 0.5 < inconclusive < 0.7, PMID: 27666373). To our knowledge, functional studies have not been reported for this variant. This variant has not been reported in individuals affected with NF2-related disorders in the literature. This variant has not been identified in the general population by the Genome Aggregation Database (gnomAD). The available evidence is insufficient to determine the role of this variant in disease conclusively. Therefore, this variant is classified as a Variant of Uncertain Significance.

This study involves interpretation of variants in research participants for the purpose of population health screening. Participant phenotype was not available at the time of variant classification. Additional details can be found in publication PMID: 35346344, PMCID: PMC8962531

NM_000268.4(NF2):c.319G>A (p.Glu107Lys)

Gene: NF2 (NF2, moesin-ezrin-radixin like (MERLIN) tumor suppressor; plus strand). Cytogenetic location: 22q12.2.
Variant type: single nucleotide variant.
Coding change: c.319G>A on transcript NM_000268.4 (MANE Select); coding-DNA position 319, G replaced by A.
Protein change: p.Glu107Lys; replaces glutamic acid 107 with lysine.
Molecular consequence: missense variant. On other transcripts: non-coding transcript variant (1), intron variant (3).
Genome position (GRCh38, 1-based): chr22:29,639,168, G>A. VCF-style: chr22-29639168-G-A. GRCh37 (hg19) VCF-style: chr22-30035157-G-A.
Other names: c.319G>A (NM_000268.3); c.319G>A, p.Glu107Lys (NM_016418.5, NM_181825.3, NM_181832.3 and 1 more transcripts); c.193G>A, p.Glu65Lys (NM_181828.3); c.240+2292G>A (NM_181829.3); c.115-3034G>A (NM_181830.3, NM_181831.3); short protein forms E107K, E65K.
Identifiers: ClinVar variation 1000838 (VCV001000838.12), dbSNP rs1435118870, ClinGen allele CA411153297.
Genomic context (GRCh38, chr22:29,639,168, plus strand): 5'-TCAAAGGAAGAACCAGTCACCTTTCACTTCTTGGCCAAATTTTATCCTGAGAATGCTGAA[G>A]AGGAGCTGGTTCAGGAGATCACACAACATTTATTCTTCTTACAGGTACATCAGTCAAGGC-3'
Protein context (NP_000259.1, residues 97-117): LAKFYPENAE[Glu107Lys]ELVQEITQHL